The following is an entry in ClinVar:

NM_003803.4(MYOM1):c.473G>T (p.Arg158Ile)

Gene: MYOM1 (myomesin 1; minus strand). Cytogenetic location: 18p11.31.
Variant type: single nucleotide variant.
Coding change: c.473G>T on transcript NM_003803.4 (MANE Select); coding-DNA position 473, G replaced by T.
Protein change: p.Arg158Ile; replaces arginine 158 with isoleucine.
Molecular consequence: missense variant.
Genome position (GRCh38, 1-based): chr18:3,189,046, C>A on the plus strand (G>T on the coding strand, the complement: MYOM1 is on the minus strand). VCF-style: chr18-3189046-C-A. GRCh37 (hg19) VCF-style: chr18-3189044-C-A.
Other names: c.473G>T, p.Arg158Ile (NM_019856.2); short protein forms R158I.
Identifiers: ClinVar variation 972266 (VCV000972266.10), dbSNP rs748886234, ClinGen allele CA401717018.

ClinVar aggregate classification (germline): Uncertain significance (1 of 4 stars; one submission).

Conditions:
Hypertrophic cardiomyopathy. Also called: HYPERTROPHIC MYOCARDIOPATHY. Identifiers: Orphanet 217569, MedGen C0007194, MeSH D002312, MONDO:0005045, HP:0001639.

gnomAD v4.1: 4 of 1,613,530 alleles (0.00025%); highest among the groups gnomAD compares: East Asian, 0.0022%; no homozygotes.

Submission:

Labcorp Genetics (formerly Invitae), Labcorp
Classification: Uncertain significance for Hypertrophic cardiomyopathy. Last evaluated: 2026-01-05. Review status: criteria provided, single submitter. Criteria: Invitae Variant Classification Sherloc (09022015). Collection method: clinical testing. Allele origin: germline.
Comment: This sequence change replaces arginine, which is basic and polar, with isoleucine, which is neutral and non-polar, at codon 158 of the MYOM1 protein (p.Arg158Ile). This variant is not present in population databases (gnomAD no frequency). This variant has not been reported in the literature in individuals affected with MYOM1-related conditions. ClinVar contains an entry for this variant (Variation ID: 972266). An algorithm developed to predict the effect of missense changes on protein structure and function (PolyPhen-2) suggests that this variant is likely to be tolerated. In summary, the available evidence is currently insufficient to determine the role of this variant in disease. Therefore, it has been classified as a Variant of Uncertain Significance.